The following is an entry in ClinVar:

NM_001244008.2(KIF1A):c.1586G>C (p.Arg529Thr)

Gene: KIF1A (kinesin family member 1A; minus strand). Cytogenetic location: 2q37.3.
Variant type: single nucleotide variant.
Coding change: c.1586G>C on transcript NM_001244008.2 (MANE Select); coding-DNA position 1586, G replaced by C.
Protein change: p.Arg529Thr; replaces arginine 529 with threonine.
Molecular consequence: missense variant.
Genome position (GRCh38, 1-based): chr2:240,767,013, C>G on the plus strand (G>C on the coding strand, the complement: KIF1A is on the minus strand). VCF-style: chr2-240767013-C-G. GRCh37 (hg19) VCF-style: chr2-241706430-C-G.
Other names: c.1586G>C, p.Arg529Thr (NM_001320705.2, NM_001330289.2, NM_001379638.1); c.1661G>C, p.Arg554Thr (NM_001330290.2, NM_001379631.1, NM_001379634.1 and 2 more transcripts); c.1559G>C, p.Arg520Thr (NM_001379632.1, NM_001379633.1, NM_001379636.1 and 10 more transcripts); c.1634G>C, p.Arg545Thr (NM_001379637.1, NM_001379648.1); short protein forms R554T, R520T, R529T, R545T.
Identifiers: ClinVar variation 1511812 (VCV001511812.8), dbSNP rs2125925853, ClinGen allele CA351328318.
Genomic context (GRCh38, chr2:240,767,013, plus strand): 5'-TGCTCCTCCTTGATGAAGTGCCCACTCAGAACAATGTCCTGCCGCCTCTCGCCATCCTCC[C>G]TGCCCACTCTGCGGGGTGGGGGCACCATCAGCACGGCAGCTGGGACCCAATACACCCAGG-3'
Protein context (NP_001230937.1, residues 519-539): YIKDGITRVG[Arg529Thr]EDGERRQDIV

ClinVar aggregate classification (germline): Uncertain significance (1 of 4 stars; one submission).

Conditions:
Hereditary spastic paraplegia 30. Identifiers: Orphanet 101010, MedGen C5235139, MONDO:0012476.
Neuropathy, hereditary sensory, type 2C. Also called: KIF1A-Related HSAN2 (HSAN2C); Hereditary sensory and autonomic neuropathy type IIC. Identifiers: Orphanet 970, MedGen C3280168, MONDO:0013634, OMIM 614213.
Intellectual disability, autosomal dominant 9 (NESCAVS). Also called: KIF1A-Related Neurodevelopmental Disorder; NESCAV SYNDROME. Identifiers: Orphanet 662367, MedGen C5393830, MONDO:0013656, OMIM 614255.

Submission:

Labcorp Genetics (formerly Invitae), Labcorp
Classification: Uncertain significance for Hereditary spastic paraplegia 30; Neuropathy, hereditary sensory, type 2C; Intellectual disability, autosomal dominant 9. Last evaluated: 2020-12-25. Review status: criteria provided, single submitter. Criteria: Invitae Variant Classification Sherloc (09022015). Collection method: clinical testing. Allele origin: germline.
Comment: In summary, the available evidence is currently insufficient to determine the role of this variant in disease. Therefore, it has been classified as a Variant of Uncertain Significance. Advanced modeling of protein sequence and biophysical properties (such as structural, functional, and spatial information, amino acid conservation, physicochemical variation, residue mobility, and thermodynamic stability) performed at Invitae indicates that this missense variant is expected to disrupt KIF1A protein function. This variant has not been reported in the literature in individuals with KIF1A-related conditions. This variant is not present in population databases (ExAC no frequency). This sequence change replaces arginine with threonine at codon 520 of the KIF1A protein (p.Arg520Thr). The arginine residue is highly conserved and there is a moderate physicochemical difference between arginine and threonine.